The following is an entry in ClinVar:

ClinVar aggregate classification (germline): Uncertain significance. Review status: criteria provided, multiple submitters, no conflicts (2 of 4 stars). 4 submissions from 4 submitters: Uncertain significance (4). Last evaluated 2026-08-16.

Conditions:
Familial thoracic aortic aneurysm and aortic dissection (TAAD). Also called: Thoracic aortic aneurysms and dissections. Identifiers: Orphanet 91387, MedGen C4707243, MONDO:0019625.
Ehlers-Danlos syndrome, classic type, 1 (EDSCL1). Also called: EHLERS-DANLOS SYNDROME, GRAVIS TYPE; EHLERS-DANLOS SYNDROME, SEVERE CLASSIC TYPE; EDS I; Ehlers-Danlos syndrome, type 1; Ehlers-Danlos Syndrome, Classic Type, COL5A1-Related. Identifiers: MedGen C0268335, MONDO:0019567, OMIM 130000.
COL5A1-related disorder. Also called: COL5A1-related condition.

Allele frequency attached by ClinVar (database versions not stated): TOPMed 0.00001; gnomAD 0.00001.
gnomAD v4.1: 1 of 1,614,024 alleles (0.000062%); no homozygotes.

Submissions (4):

Ambry Genetics
Classification: Uncertain significance for Familial thoracic aortic aneurysm and aortic dissection. Last evaluated: 2026-08-16. Review status: criteria provided, single submitter. Criteria: Ambry Variant Classification Scheme 2023. Collection method: clinical testing. Allele origin: germline.
Comment: The p.D365N variant (also known as c.1093G>A), located in coding exon 7 of the COL5A1 gene, results from a G to A substitution at nucleotide position 1093. The aspartic acid at codon 365 is replaced by asparagine, an amino acid with highly similar properties. This amino acid position is conserved. In addition, this alteration is predicted to be tolerated by in silico analysis. Based on the available evidence, the clinical significance of this variant remains unclear.

PreventionGenetics, part of Exact Sciences
Classification: Uncertain significance for COL5A1-related condition. Last evaluated: 2025-11-21. Review status: criteria provided, single submitter. Criteria: ACMG Guidelines, 2015. Collection method: clinical testing. Allele origin: germline.
Comment: The COL5A1 c.1093G>A variant is predicted to result in the amino acid substitution p.Asp365Asn. To our knowledge, this variant has not been reported in the literature or in a large population database (gnomAD), indicating this variant is rare. Most documented pathogenic missense variants in COL5A1 substitute a glycine residue to a bulkier amino acid in the triple helical region p.559-1570 (see for example: Malfait et al. 2005. PubMed ID: 15580559; Mitchell et al. 2009. PubMed ID: 19370768; Giunta and Steinmann. 2000. PubMed ID: 10602121; Symoens et al. 2012. PubMed ID: 22696272). The p.Asp365Asn change does not reside in the triple helical region nor does it alter a glycine residue. No missense variants nearby have been reported to be pathogenic. However, missense variants affecting amino acids other than glycine have been reported to be causative for Ehlers-Danlos syndrome, classic type. At this time, the clinical significance of this variant is uncertain due to the absence of conclusive functional and genetic evidence.

Women's Health and Genetics/Laboratory Corporation of America, LabCorp
Classification: Uncertain significance. Last evaluated: 2025-09-15. Review status: criteria provided, single submitter. Criteria: LabCorp Variant Classification Summary - May 2015. Collection method: clinical testing. Allele origin: germline.

Labcorp Genetics (formerly Invitae), Labcorp
Classification: Uncertain significance for Ehlers-Danlos syndrome, classic type, 1. Last evaluated: 2025-02-06. Review status: criteria provided, single submitter. Criteria: Invitae Variant Classification Sherloc (09022015). Collection method: clinical testing. Allele origin: germline.
Comment: This sequence change replaces aspartic acid, which is acidic and polar, with asparagine, which is neutral and polar, at codon 365 of the COL5A1 protein (p.Asp365Asn). This variant is not present in population databases (gnomAD no frequency). This variant has not been reported in the literature in individuals affected with COL5A1-related conditions. ClinVar contains an entry for this variant (Variation ID: 861297). Invitae Evidence Modeling of protein sequence and biophysical properties (such as structural, functional, and spatial information, amino acid conservation, physicochemical variation, residue mobility, and thermodynamic stability) indicates that this missense variant is not expected to disrupt COL5A1 protein function with a negative predictive value of 95%. In summary, the available evidence is currently insufficient to determine the role of this variant in disease. Therefore, it has been classified as a Variant of Uncertain Significance.

NM_000093.5(COL5A1):c.1093G>A (p.Asp365Asn)

Gene: COL5A1 (collagen type V alpha 1 chain; plus strand). Cytogenetic location: 9q34.3.
Variant type: single nucleotide variant.
Coding change: c.1093G>A on transcript NM_000093.5 (MANE Select); coding-DNA position 1093, G replaced by A.
Protein change: p.Asp365Asn; replaces aspartic acid 365 with asparagine.
Molecular consequence: missense variant.
Genome position (GRCh38, 1-based): chr9:134,730,404, G>A. VCF-style: chr9-134730404-G-A. GRCh37 (hg19) VCF-style: chr9-137622250-G-A.
Other names: c.1093G>A, p.Asp365Asn (NM_001278074.1); c.1093G>A (NM_000093.3); short protein forms D365N.
Identifiers: ClinVar variation 861297 (VCV000861297.14), dbSNP rs1420950002, ClinGen allele CA375449947.